The following is an entry in ClinVar:

NM_001378778.1(MPDZ):c.1197dup (p.Leu400fs)

Gene: MPDZ (multiple PDZ domain crumbs cell polarity complex component; minus strand). Cytogenetic location: 9p23.
Variant type: Duplication.
Coding change: c.1197dup on transcript NM_001378778.1 (MANE Select); coding-DNA position 1197, one base duplicated (A; older notation c.1197dupA).
Protein change: p.Leu400fs; shifts the reading frame from leucine 400.
Molecular consequence: frameshift variant.
Genome position (GRCh38, 1-based): chr9:13,217,184, T duplicated on the plus strand (A on the coding strand, the reverse complement: MPDZ is on the minus strand); the first of 6 consecutive T bases (chr9:13,217,184-13,217,189); duplicating any one gives the same sequence. VCF-style (leftmost placement, unchanged base first): chr9-13217183-A-AT. GRCh37 (hg19) VCF-style: chr9-13217182-A-AT.
Other names: c.1197dup, p.Leu400fs (NM_001261406.2, NM_001261407.2, NM_001330637.2 and 14 more transcripts); short protein forms L400fs.
Identifiers: ClinVar variation 1911692 (VCV001911692.7), dbSNP rs1554704601, ClinGen allele CA586637567.

ClinVar aggregate classification (germline): Pathogenic/Likely pathogenic. Review status: criteria provided, multiple submitters, no conflicts (2 of 4 stars). 3 submissions from 3 submitters: Pathogenic (2); Likely pathogenic (1). Last evaluated 2026-08-03.

Conditions:
Hydrocephalus, nonsyndromic, autosomal recessive 2. Also called: Hydrocephalus, congenital, 2, with or without brain or eye anomalies. Identifiers: Orphanet 2185, MedGen C3554691, MONDO:0014085, OMIM 615219.

Submissions (3):

Department of Medical Genetics, Jagiellonian University Medical College
Classification: Pathogenic for Hydrocephalus, nonsyndromic, autosomal recessive 2. Last evaluated: 2026-08-03. Review status: criteria provided, single submitter. Criteria: ACMG Guidelines, 2015. Collection method: research. Allele origin: inherited. Inheritance: Autosomal recessive inheritance. Affected: yes.

Labcorp Genetics (formerly Invitae), Labcorp
Classification: Pathogenic. Last evaluated: 2025-07-21. Review status: criteria provided, single submitter. Criteria: Invitae Variant Classification Sherloc (09022015). Collection method: clinical testing. Allele origin: germline.
Comment: This sequence change creates a premature translational stop signal (p.Leu400Ilefs*18) in the MPDZ gene. It is expected to result in an absent or disrupted protein product. Loss-of-function variants in MPDZ are known to be pathogenic (PMID: 23240096, 28556411). This variant is present in population databases (no rsID available, gnomAD 0.004%). This variant has not been reported in the literature in individuals affected with MPDZ-related conditions. ClinVar contains an entry for this variant (Variation ID: 1911692). For these reasons, this variant has been classified as Pathogenic.

Laboratory of Genetics, Children's Clinical University Hospital Latvia
Classification: Likely pathogenic. Last evaluated: 2025-02-16. Review status: criteria provided, single submitter. Criteria: ACMG Guidelines, 2015. Collection method: clinical testing. Allele origin: germline. Affected: yes.

Literature cited by the submitters: PubMed 23240096 (cited by Labcorp Genetics (formerly Invitae), Labcorp); PubMed 28556411 (cited by Labcorp Genetics (formerly Invitae), Labcorp).